The following is an entry in ClinVar:

ClinVar aggregate classification (germline): Uncertain significance (1 of 4 stars; one submission).

Conditions:
Hereditary cancer-predisposing syndrome. Also called: Neoplastic Syndromes, Hereditary; Tumor predisposition; Hereditary Cancer Syndrome; Hereditary neoplastic syndrome. Identifiers: Orphanet 140162, MedGen C0027672, MeSH D009386, MONDO:0015356.

Submission:

Ambry Genetics
Classification: Uncertain significance for Hereditary cancer-predisposing syndrome. Last evaluated: 2025-12-10. Review status: criteria provided, single submitter. Criteria: Ambry Variant Classification Scheme 2023. Collection method: clinical testing. Allele origin: germline.
Comment: The c.2149delC variant, located in coding exon 17 of the BAP1 gene, results from a deletion of one nucleotide at nucleotide position 2149, causing a translational frameshift with a predicted alternate stop codon (p.R717Gfs*19). This alteration occurs at the 3' terminus of the gene, is not expected to trigger nonsense-mediated mRNA decay and results in the elongation of the protein by five amino acids. This frameshift impacts the last 13 amino acids of the native protein. The exact functional effect of the altered amino acids is unknown. Based on the available evidence, the clinical significance of this variant remains unclear.

NM_004656.4(BAP1):c.2149del (p.Arg717fs)

Gene: BAP1 (BRCA1 associated deubiquitinase 1; minus strand). Cytogenetic location: 3p21.1.
Variant type: Deletion.
Coding change: c.2149del on transcript NM_004656.4 (MANE Select); coding-DNA position 2149, one base deleted (C; older notation c.2149delC).
Protein change: p.Arg717fs; shifts the reading frame from arginine 717.
Molecular consequence: frameshift variant.
Genome position (GRCh38, 1-based): chr3:52,402,329, G deleted on the plus strand (C on the coding strand, the reverse complement: BAP1 is on the minus strand); the first of 2 consecutive G bases (chr3:52,402,329-52,402,330); deleting either gives the same sequence. VCF-style (leftmost placement, unchanged base first): chr3-52402328-CG-C. GRCh37 (hg19) VCF-style: chr3-52436344-CG-C.
Other names: c.2095del, p.Arg699fs (NM_001410772.1); c.2149delC (NM_004656.2); short protein forms R699fs, R717fs.
Identifiers: ClinVar variation 4620830 (VCV004620830.1).
Genomic context (GRCh38, chr3:52,402,328, plus strand): 5'-AGAGTCAGGGCCAGCAGTCCTCACTGGCGCTTGGCCTTGTAGGGGCGAGAGCGTTTCCGC[CG>C]GTCAGGCTTCCGCTGCTTGTGGAGCCGGCCGATGCTGACCCCTTGGCGCCGCCGCACGGA-3'